The following is an entry in ClinVar:

ClinVar aggregate classification (germline): Benign/Likely benign. Review status: criteria provided, multiple submitters, no conflicts (2 of 4 stars). 7 submissions from 7 submitters: Benign (1); Likely benign (5). 1 of the submissions does not count toward it. Last evaluated 2026-06-08.

Conditions:
MAX-related disorder. Also called: MAX-related condition.
Hereditary cancer-predisposing syndrome. Also called: Tumor predisposition; Hereditary neoplastic syndrome; Hereditary Cancer Syndrome; Neoplastic Syndromes, Hereditary. Identifiers: Orphanet 140162, MedGen C0027672, MeSH D009386, MONDO:0015356.
Hereditary pheochromocytoma and paraganglioma. Also called: Hereditary paragangliomas and pheochromocytomas; Hereditary pheochromocytoma-paraganglioma; Hereditary Paraganglioma-Pheochromocytoma Syndromes. Identifiers: Orphanet 29072, MedGen C4274332, MONDO:0017366.
Pheochromocytoma. Also called: MAX-Related Hereditary Paraganglioma-Pheochromocytoma Syndrome. Identifiers: Orphanet 29072, MedGen C0031511, MONDO:0008233, OMIM 171300, HP:0002666.

Allele frequency attached by ClinVar (database versions not stated): gnomAD 0.00009 and 0.00011; TOPMed 0.00011; ESP Exome Variant Server 0.00031.
gnomAD v4.1: 49 of 1,613,906 alleles (0.003%); highest among the groups gnomAD compares: African/African-American, 0.032%; no homozygotes.

Submissions (7):

Myriad Genetics, Inc.
Classification: Benign for Pheochromocytoma. Last evaluated: 2026-06-08. Review status: criteria provided, single submitter. Criteria: Myriad Autosomal Dominant, Autosomal Recessive and X-Linked Classification Criteria (2023). Collection method: clinical testing. Allele origin: unknown.
Comment: This variant is considered benign. This variant is a silent/synonymous amino acid change and it is not expected to impact splicing.

Labcorp Genetics (formerly Invitae), Labcorp
Classification: Likely benign for Hereditary pheochromocytoma and paraganglioma. Last evaluated: 2026-01-25. Review status: criteria provided, single submitter. Criteria: Invitae Variant Classification Sherloc (09022015). Collection method: clinical testing. Allele origin: germline.

CeGaT Center for Human Genetics Tuebingen
Classification: Likely benign. Last evaluated: 2024-09-01. Review status: criteria provided, single submitter. Criteria: CeGaT Center For Human Genetics Tuebingen Variant Classification Criteria Version 2. Collection method: clinical testing. Allele origin: germline. Affected: yes. Observed: 1 variant allele.
Comment: MAX: BP4, BP7

Blueprint Genetics
Classification: Likely benign. Last evaluated: 2024-08-02. Review status: criteria provided, single submitter. Criteria: ACMG Guidelines, 2015. Collection method: clinical testing. Allele origin: germline.

Sema4
Classification: Likely benign for Hereditary cancer-predisposing syndrome. Last evaluated: 2021-03-15. Review status: criteria provided, single submitter. Criteria: Sema4 Curation Guidelines. Collection method: curation. Allele origin: germline.

Ambry Genetics
Classification: Likely benign for Hereditary cancer-predisposing syndrome. Last evaluated: 2015-11-03. Review status: criteria provided, single submitter. Criteria: Ambry Variant Classification Scheme 2023. Collection method: clinical testing. Allele origin: germline.

PreventionGenetics, part of Exact Sciences
Classification: Likely benign for MAX-related condition. Last evaluated: 2022-06-21. Review status: no assertion criteria provided. Collection method: clinical testing. Allele origin: germline. Not counted in ClinVar's aggregate classification.
Comment: This variant is classified as likely benign based on ACMG/AMP sequence variant interpretation guidelines (Richards et al. 2015 PMID: 25741868, with internal and published modifications).

NM_002382.5(MAX):c.426G>A (p.Ser142=)

Gene: MAX (MYC associated transcriptional regulator X; minus strand). Cytogenetic location: 14q23.3.
Variant type: single nucleotide variant.
Coding change: c.426G>A on transcript NM_002382.5 (MANE Select); coding-DNA position 426, G replaced by A.
Protein change: p.Ser142=; no amino-acid change (serine 142 retained).
Molecular consequence: synonymous variant. On other transcripts: 3 prime UTR variant (12), non-coding transcript variant (7), intron variant (2).
Genome position (GRCh38, 1-based): chr14:65,076,533, C>T on the plus strand (G>A on the coding strand, the complement: MAX is on the minus strand). VCF-style: chr14-65076533-C-T. GRCh37 (hg19) VCF-style: chr14-65543251-C-T.
Other names: c.237G>A, p.Ser79= (NM_001320415.2, NM_001407105.1, NM_001407106.1 and 1 more transcripts); c.426G>A, p.Ser142= (NM_001407094.1); c.399G>A, p.Ser133= (NM_001407095.1, NM_145112.3); c.*199G>A (NM_001407096.1, NM_001407099.1, NM_001407102.1 and 2 more transcripts); c.*215G>A (NM_001407097.1, NM_001407100.1, NM_001407101.1 and 4 more transcripts); c.318G>A, p.Ser106= (NM_001407098.1); c.225G>A, p.Ser75= (NM_001407111.1, NM_001407112.1); c.144+17175G>A (NM_001271069.2); and 1 more.
Identifiers: ClinVar variation 412781 (VCV000412781.34), dbSNP rs145787299, ClinGen allele CA7232789.